The following is an entry in ClinVar:

NM_003922.4(HERC1):c.8556-3T>G

Gene: HERC1 (HECT and RLD domain containing E3 ubiquitin protein ligase family member 1; minus strand). Cytogenetic location: 15q22.31.
Variant type: single nucleotide variant.
Coding change: c.8556-3T>G on transcript NM_003922.4 (MANE Select); 3 bases into the intron before coding-DNA position 8556, T replaced by G.
Molecular consequence: intron variant.
Genome position (GRCh38, 1-based): chr15:63,664,597, A>C on the plus strand (T>G on the coding strand, the complement: HERC1 is on the minus strand). VCF-style: chr15-63664597-A-C. GRCh37 (hg19) VCF-style: chr15-63956796-A-C.
Identifiers: ClinVar variation 2086603 (VCV002086603.4), dbSNP rs1416053187, ClinGen allele CA2575753189.

ClinVar aggregate classification (germline): Uncertain significance (1 of 4 stars; one submission).

Submission:

Labcorp Genetics (formerly Invitae), Labcorp
Classification: Uncertain significance. Last evaluated: 2022-08-22. Review status: criteria provided, single submitter. Criteria: Invitae Variant Classification Sherloc (09022015). Collection method: clinical testing. Allele origin: germline.
Comment: This sequence change falls in intron 42 of the HERC1 gene. It does not directly change the encoded amino acid sequence of the HERC1 protein. It affects a nucleotide within the consensus splice site. This variant is not present in population databases (gnomAD no frequency). This variant has not been reported in the literature in individuals affected with HERC1-related conditions. In summary, the available evidence is currently insufficient to determine the role of this variant in disease. Therefore, it has been classified as a Variant of Uncertain Significance. Variants that disrupt the consensus splice site are a relatively common cause of aberrant splicing (PMID: 17576681, 9536098). Algorithms developed to predict the effect of sequence changes on RNA splicing suggest that this variant may create or strengthen a splice site.

Literature cited by the submitters: PubMed 17576681; PubMed 9536098.